The following is an entry in ClinVar:

NM_002076.4(GNS):c.311C>T (p.Pro104Leu)

Gene: GNS (glucosamine (N-acetyl)-6-sulfatase; minus strand). Cytogenetic location: 12q14.3.
Variant type: single nucleotide variant.
Coding change: c.311C>T on transcript NM_002076.4 (MANE Select); coding-DNA position 311, C replaced by T.
Protein change: p.Pro104Leu; replaces proline 104 with leucine.
Molecular consequence: missense variant.
Genome position (GRCh38, 1-based): chr12:64,747,860, G>A on the plus strand (C>T on the coding strand, the complement: GNS is on the minus strand). VCF-style: chr12-64747860-G-A. GRCh37 (hg19) VCF-style: chr12-65141640-G-A.
Other names: c.311C>T (NM_002076.3); short protein forms P104L.
Identifiers: ClinVar variation 1373626 (VCV001373626.4), dbSNP rs1236473511, ClinGen allele CA385611195.

ClinVar aggregate classification (germline): Uncertain significance. Review status: criteria provided, multiple submitters, no conflicts (2 of 4 stars). 2 submissions from 2 submitters: Uncertain significance (2). Last evaluated 2024-01-04.

Conditions:
Inborn genetic diseases. Identifiers: MedGen C0950123, MeSH D030342.
Mucopolysaccharidosis, MPS-III-D (MPS3D). Also called: Mucopoly-saccharidosis type 3D; N-acetylglucosamine-6-sulfate sulfatase deficiency; MPS 3D; MPS IIID (Sanfilippo Syndrome Type D); MUCOPOLYSACCHARIDOSIS, TYPE IIID; N-ACETYLGLUCOSAMINE-6-SULFATASE DEFICIENCY. Identifiers: Orphanet 581, Orphanet 79272, MedGen C0086650, MONDO:0009658, OMIM 252940.

Allele frequency attached by ClinVar (database versions not stated): gnomAD 0.00004 and 0.00003; TOPMed 0.00005; gnomAD exomes below 0.00001.
gnomAD v4.1: 11 of 1,610,732 alleles (0.00068%); highest among the groups gnomAD compares: Admixed American, 0.013%; no homozygotes.

Submissions (2):

Ambry Genetics
Classification: Uncertain significance for Inborn genetic diseases. Last evaluated: 2024-01-04. Review status: criteria provided, single submitter. Criteria: Ambry Variant Classification Scheme 2023. Collection method: clinical testing. Allele origin: germline.

Labcorp Genetics (formerly Invitae), Labcorp
Classification: Uncertain significance for Mucopolysaccharidosis, MPS-III-D. Last evaluated: 2022-08-19. Review status: criteria provided, single submitter. Criteria: Invitae Variant Classification Sherloc (09022015). Collection method: clinical testing. Allele origin: germline.
Comment: This sequence change replaces proline, which is neutral and non-polar, with leucine, which is neutral and non-polar, at codon 104 of the GNS protein (p.Pro104Leu). This variant is not present in population databases (gnomAD no frequency). This variant has not been reported in the literature in individuals affected with GNS-related conditions. ClinVar contains an entry for this variant (Variation ID: 1373626). Algorithms developed to predict the effect of missense changes on protein structure and function are either unavailable or do not agree on the potential impact of this missense change (SIFT: "Deleterious"; PolyPhen-2: "Benign"; Align-GVGD: "Class C35"). In summary, the available evidence is currently insufficient to determine the role of this variant in disease. Therefore, it has been classified as a Variant of Uncertain Significance.